The following is an entry in ClinVar:

ClinVar aggregate classification (germline): Uncertain significance (1 of 4 stars; one submission).

Conditions:
Duchenne muscular dystrophy (DMD). Also called: MUSCULAR DYSTROPHY, PSEUDOHYPERTROPHIC PROGRESSIVE, DUCHENNE TYPE; Duchenne Muscular Dystrophy (DMD). Identifiers: Orphanet 98896, MedGen C0013264, MONDO:0010679, OMIM 310200.

Submission:

Labcorp Genetics (formerly Invitae), Labcorp
Classification: Uncertain significance for Duchenne muscular dystrophy. Last evaluated: 2024-06-18. Review status: criteria provided, single submitter. Criteria: Invitae Variant Classification Sherloc (09022015). Collection method: clinical testing. Allele origin: germline.
Comment: This sequence change replaces serine, which is neutral and polar, with cysteine, which is neutral and slightly polar, at codon 2922 of the DMD protein (p.Ser2922Cys). This variant is not present in population databases (gnomAD no frequency). This variant has not been reported in the literature in individuals affected with DMD-related conditions. Advanced modeling of protein sequence and biophysical properties (such as structural, functional, and spatial information, amino acid conservation, physicochemical variation, residue mobility, and thermodynamic stability) performed at Invitae indicates that this missense variant is not expected to disrupt DMD protein function with a negative predictive value of 95%. In summary, the available evidence is currently insufficient to determine the role of this variant in disease. Therefore, it has been classified as a Variant of Uncertain Significance.

NM_004006.3(DMD):c.8765C>G (p.Ser2922Cys)

Gene: DMD (dystrophin; minus strand). Cytogenetic location: Xp21.2.
Variant type: single nucleotide variant.
Coding change: c.8765C>G on transcript NM_004006.3 (MANE Select); coding-DNA position 8765, C replaced by G.
Protein change: p.Ser2922Cys; replaces serine 2922 with cysteine.
Molecular consequence: missense variant.
Genome position (GRCh38, 1-based): chrX:31,478,278, G>C on the plus strand (C>G on the coding strand, the complement: DMD is on the minus strand). VCF-style: chrX-31478278-G-C. GRCh37 (hg19) VCF-style: chrX-31496395-G-C.
Other names: c.8741C>G, p.Ser2914Cys (NM_000109.4); c.8753C>G, p.Ser2918Cys (NM_004009.3); c.8396C>G, p.Ser2799Cys (NM_004010.3); c.4742C>G, p.Ser1581Cys (NM_004011.4); c.4733C>G, p.Ser1578Cys (NM_004012.4); c.1385C>G, p.Ser462Cys (NM_004013.3, NM_004020.4, NM_004021.3 and 2 more transcripts); c.578C>G, p.Ser193Cys (NM_004014.3); short protein forms S1578C, S1581C, S2799C, S2922C, S462C, S193C, S2914C, S2918C.
Identifiers: ClinVar variation 3634796 (VCV003634796.2).